The following is an entry in ClinVar:

NM_024598.4(USB1):c.312C>T (p.Pro104=)

Gene: USB1 (U6 snRNA biogenesis phosphodiesterase 1; plus strand). Cytogenetic location: 16q21.
Variant type: single nucleotide variant.
Coding change: c.312C>T on transcript NM_024598.4 (MANE Select); coding-DNA position 312, C replaced by T.
Protein change: p.Pro104=; no amino-acid change (proline 104 retained).
Molecular consequence: synonymous variant.
Genome position (GRCh38, 1-based): chr16:58,009,975, C>T. VCF-style: chr16-58009975-C-T. GRCh37 (hg19) VCF-style: chr16-58043879-C-T.
Other names: p.Pro104=; c.312C>T, p.Pro104= (NM_001195302.2, NM_001204911.2, NM_001330569.2); c.159C>T, p.Pro53= (NM_001330568.2).
Identifiers: ClinVar variation 714808 (VCV000714808.48), dbSNP rs140760824, ClinGen allele CA8084875.

ClinVar aggregate classification (germline): Benign/Likely benign. Review status: criteria provided, multiple submitters, no conflicts (2 of 4 stars). 5 submissions from 5 submitters: Benign (1); Likely benign (4). Last evaluated 2026-01-27.

Conditions:
Inborn genetic diseases. Identifiers: MedGen C0950123, MeSH D030342.

Allele frequency attached by ClinVar (database versions not stated): gnomAD exomes 0.00015 and 0.00036; ExAC 0.00044; gnomAD 0.00129 and 0.00136; TOPMed 0.00150; 1000 Genomes Project 0.00160; 1000 Genomes Project 30x 0.00172; ESP Exome Variant Server 0.00185.

Submissions (5):

Labcorp Genetics (formerly Invitae), Labcorp
Classification: Benign. Last evaluated: 2026-01-27. Review status: criteria provided, single submitter. Criteria: Invitae Variant Classification Sherloc (09022015). Collection method: clinical testing. Allele origin: germline.

Mayo Clinic Laboratories, Mayo Clinic
Classification: Likely benign. Last evaluated: 2025-09-18. Review status: criteria provided, single submitter. Criteria: ACMG Guidelines, 2015. Collection method: clinical testing. Allele origin: germline. Observed: 4 variant alleles.
Comment: BS1, BP4, BP7

Ambry Genetics
Classification: Likely benign for Inborn genetic diseases. Last evaluated: 2024-11-18. Review status: criteria provided, single submitter. Criteria: Ambry Variant Classification Scheme 2023. Collection method: clinical testing. Allele origin: germline.

Blueprint Genetics
Classification: Likely benign. Last evaluated: 2024-08-09. Review status: criteria provided, single submitter. Criteria: ACMG Guidelines, 2015. Collection method: clinical testing. Allele origin: germline.

CeGaT Center for Human Genetics Tuebingen
Classification: Likely benign. Last evaluated: 2021-02-01. Review status: criteria provided, single submitter. Criteria: CeGaT Center For Human Genetics Tuebingen Variant Classification Criteria Version 2. Collection method: clinical testing. Allele origin: germline. Affected: yes. Observed: 2 variant alleles.